The following is an entry in ClinVar:

ClinVar aggregate classification (germline): Pathogenic. Review status: criteria provided, multiple submitters, no conflicts (2 of 4 stars). 2 submissions from 2 submitters: Pathogenic (2). Last evaluated 2026-01-04.

Conditions:
Long QT syndrome (LQTS). Identifiers: MedGen C0023976, MeSH D008133, MONDO:0002442. Disease mechanism: loss of function. Inheritance: Various modes of inheritance.

Submissions (2):

Labcorp Genetics (formerly Invitae), Labcorp
Classification: Pathogenic for Long QT syndrome. Last evaluated: 2026-01-04. Review status: criteria provided, single submitter. Criteria: Invitae Variant Classification Sherloc (09022015). Collection method: clinical testing. Allele origin: germline.
Comment: This sequence change creates a premature translational stop signal (p.Glu807Serfs*3) in the KCNH2 gene. It is expected to result in an absent or disrupted protein product. Loss-of-function variants in KCNH2 are known to be pathogenic (PMID: 10973849, 19862833). This variant is not present in population databases (gnomAD no frequency). This premature translational stop signal has been observed in individual(s) with clinical features of long QT syndrome (PMID: 19716085). ClinVar contains an entry for this variant (Variation ID: 200652). For these reasons, this variant has been classified as Pathogenic.

GeneDx
Classification: Pathogenic. Last evaluated: 2012-06-12. Review status: criteria provided, single submitter. Criteria: GeneDx Variant Classification (06012015). Collection method: clinical testing. Allele origin: germline. Affected: yes.
Comment: The c.2419delG variant in the KCNH2 gene has been reported in association with LQTS (Kapplinger J et al., 2009) . This variant causes a shift in reading frame starting at codon Glu807, changing it to a Serine, and creating a premature stop codon at position 3 of the new reading frame, denoted p.Glu807SerfsX3. This variant is expected to result in either an abnormal, truncated protein product or loss of protein from this allele through nonsense-mediated mRNA decay. Other frameshift variants in the KCNH2 gene have been reported in association with LQTS. In summary, c.2419delG in the KCNH2 gene is interpreted as a pathogenic variant.

Literature cited by the submitters: PubMed 10973849 (cited by Labcorp Genetics (formerly Invitae), Labcorp); PubMed 19862833 (cited by Labcorp Genetics (formerly Invitae), Labcorp); PubMed 19716085 (cited by Labcorp Genetics (formerly Invitae), Labcorp).

NM_000238.4(KCNH2):c.2419del (p.Glu807fs)

Gene: KCNH2 (potassium voltage-gated channel subfamily H member 2; minus strand). Cytogenetic location: 7q36.1.
Variant type: Deletion.
Coding change: c.2419del on transcript NM_000238.4 (MANE Select); coding-DNA position 2419, one base deleted (G; older notation c.2419delG).
Protein change: p.Glu807fs; shifts the reading frame from glutamic acid 807.
Molecular consequence: frameshift variant.
Genome position (GRCh38, 1-based): chr7:150,949,029, C deleted on the plus strand (G on the coding strand, the reverse complement: KCNH2 is on the minus strand); the first of 4 consecutive C bases (chr7:150,949,029-150,949,032); deleting any one gives the same sequence. VCF-style (leftmost placement, unchanged base first): chr7-150949028-TC-T. GRCh37 (hg19) VCF-style: chr7-150646116-TC-T.
Other names: c.1399del, p.Glu467fs (NM_172057.3); short protein forms E807fs, E467fs.
Identifiers: ClinVar variation 200652 (VCV000200652.3), dbSNP rs794728445, ClinGen allele CA006738.